The following is an entry in ClinVar:

NM_000123.4(ERCC5):c.2088G>T (p.Glu696Asp)

Genes: BIVM-ERCC5 (BIVM-ERCC5 readthrough; plus strand), ERCC5 (ERCC excision repair 5, endonuclease; plus strand), LOC126861834 (BRD4-independent group 4 enhancer GRCh37_chr13:103518038-103519237; plus strand). Cytogenetic location: 13q33.1.
Variant type: single nucleotide variant.
Coding change: c.2088G>T on transcript NM_000123.4 (MANE Select); coding-DNA position 2088, G replaced by T.
Protein change: p.Glu696Asp; replaces glutamic acid 696 with aspartic acid.
Molecular consequence: missense variant.
Genome position (GRCh38, 1-based): chr13:102,865,800, G>T. VCF-style: chr13-102865800-G-T. GRCh37 (hg19) VCF-style: chr13-103518150-G-T.
Other names: c.3450G>T, p.Glu1150Asp (NM_001204425.2); short protein forms E696D, E1150D.
Identifiers: ClinVar variation 4761122 (VCV004761122.1).

ClinVar aggregate classification (germline): Uncertain significance (1 of 4 stars; one submission).

Submission:

Labcorp Genetics (formerly Invitae), Labcorp
Classification: Uncertain significance. Last evaluated: 2025-05-18. Review status: criteria provided, single submitter. Criteria: Invitae Variant Classification Sherloc (09022015). Collection method: clinical testing. Allele origin: germline.
Comment: This sequence change replaces glutamic acid, which is acidic and polar, with aspartic acid, which is acidic and polar, at codon 696 of the ERCC5 protein (p.Glu696Asp). This variant is not present in population databases (gnomAD no frequency). This variant has not been reported in the literature in individuals affected with ERCC5-related conditions. An algorithm developed to predict the effect of missense changes on protein structure and function outputs the following: PolyPhen-2: "Benign". The aspartic acid amino acid residue is found in multiple mammalian species, which suggests that this missense change does not adversely affect protein function. In summary, the available evidence is currently insufficient to determine the role of this variant in disease. Therefore, it has been classified as a Variant of Uncertain Significance.